The following is an entry in ClinVar:

ClinVar aggregate classification (germline): Uncertain significance (1 of 4 stars; one submission).

Conditions:
Candidiasis, familial, 9 (CANDF9). Identifiers: Orphanet 1334, MedGen C4225324, MONDO:0014642, OMIM 616445.

Allele frequency attached by ClinVar (database versions not stated): ExAC 0.00002; gnomAD exomes 0.00002; TOPMed 0.00002.

Submission:

Labcorp Genetics (formerly Invitae), Labcorp
Classification: Uncertain significance for Candidiasis, familial, 9. Last evaluated: 2025-12-29. Review status: criteria provided, single submitter. Criteria: Invitae Variant Classification Sherloc (09022015). Collection method: clinical testing. Allele origin: germline.
Comment: This sequence change replaces glutamic acid, which is acidic and polar, with lysine, which is basic and polar, at codon 428 of the IL17RC protein (p.Glu428Lys). The frequency data for this variant in the population databases is considered unreliable, as metrics indicate poor data quality at this position in the gnomAD database. This variant has not been reported in the literature in individuals affected with IL17RC-related conditions. ClinVar contains an entry for this variant (Variation ID: 664681). An algorithm developed to predict the effect of missense changes on protein structure and function outputs the following: PolyPhen-2: "Benign". The lysine amino acid residue is found in multiple mammalian species, which suggests that this missense change does not adversely affect protein function. In summary, the available evidence is currently insufficient to determine the role of this variant in disease. Therefore, it has been classified as a Variant of Uncertain Significance.

NM_153460.4(IL17RC):c.1069G>A (p.Glu357Lys)

Gene: IL17RC (interleukin 17 receptor C; plus strand). Cytogenetic location: 3p25.3.
Variant type: single nucleotide variant.
Coding change: c.1069G>A on transcript NM_153460.4 (MANE Select); coding-DNA position 1069, G replaced by A.
Protein change: p.Glu357Lys; replaces glutamic acid 357 with lysine.
Molecular consequence: missense variant. On other transcripts: non-coding transcript variant (1), intron variant (2).
Genome position (GRCh38, 1-based): chr3:9,928,589, G>A. VCF-style: chr3-9928589-G-A. GRCh37 (hg19) VCF-style: chr3-9970273-G-A.
Other names: c.1069G>A, p.Glu357Lys (NM_001203263.2); c.1030G>A, p.Glu344Lys (NM_001367278.1); c.949G>A, p.Glu317Lys (NM_001367279.1); c.1024G>A, p.Glu342Lys (NM_001367280.1, NM_032732.6); c.1282G>A, p.Glu428Lys (NM_153461.4); c.1059+103G>A (NM_001203264.2); c.1014+103G>A (NM_001203265.2); short protein forms E317K, E344K, E428K, E357K, E342K.
Identifiers: ClinVar variation 664681 (VCV000664681.3), dbSNP rs368679093, ClinGen allele CA2247131.